The following is an entry in ClinVar:

ClinVar aggregate classification (germline): Uncertain significance (1 of 4 stars; one submission).

Conditions:
Renal cell carcinoma. Identifiers: Orphanet 217071, MedGen C0007134, MeSH D002292, MONDO:0005086, HP:0005584.

Submission:

Labcorp Genetics (formerly Invitae), Labcorp
Classification: Uncertain significance for Renal cell carcinoma. Last evaluated: 2025-04-17. Review status: criteria provided, single submitter. Criteria: Invitae Variant Classification Sherloc (09022015). Collection method: clinical testing. Allele origin: germline.
Comment: This sequence change replaces glutamic acid, which is acidic and polar, with glutamine, which is neutral and polar, at codon 49 of the MET protein (p.Glu49Gln). This variant is not present in population databases (gnomAD no frequency). This variant has not been reported in the literature in individuals affected with MET-related conditions. Invitae Evidence Modeling of protein sequence and biophysical properties (such as structural, functional, and spatial information, amino acid conservation, physicochemical variation, residue mobility, and thermodynamic stability) indicates that this missense variant is not expected to disrupt MET protein function with a negative predictive value of 80%. In summary, the available evidence is currently insufficient to determine the role of this variant in disease. Therefore, it has been classified as a Variant of Uncertain Significance.

NM_000245.4(MET):c.145G>C (p.Glu49Gln)

Gene: MET (MET proto-oncogene, receptor tyrosine kinase; plus strand). Cytogenetic location: 7q31.2.
Variant type: single nucleotide variant.
Coding change: c.145G>C on transcript NM_000245.4 (MANE Select); coding-DNA position 145, G replaced by C.
Protein change: p.Glu49Gln; replaces glutamic acid 49 with glutamine.
Molecular consequence: missense variant. On other transcripts: intron variant (1).
Genome position (GRCh38, 1-based): chr7:116,699,229, G>C. VCF-style: chr7-116699229-G-C. GRCh37 (hg19) VCF-style: chr7-116339283-G-C.
Other names: c.145G>C, p.Glu49Gln (NM_001127500.3, NM_001324401.3); c.-91+26652G>C (NM_001324402.2); short protein forms E49Q.
Identifiers: ClinVar variation 4743423 (VCV004743423.1).